The following is an entry in ClinVar:

ClinVar aggregate classification (germline): Likely benign (0 of 4 stars; one submission).

Conditions:
ATP13A3-related disorder. Also called: ATP13A3-related condition.

Allele frequency attached by ClinVar (database versions not stated): gnomAD 0.00001; TOPMed 0.00002.
gnomAD v4.1: 1 of 1,612,340 alleles (0.000062%); highest among the groups gnomAD compares: African/African-American, 0.0013%; no homozygotes.

Submission:

PreventionGenetics, part of Exact Sciences
Classification: Likely benign for ATP13A3-related condition. Last evaluated: 2019-08-09. Review status: no assertion criteria provided. Collection method: clinical testing. Allele origin: germline.
Comment: This variant is classified as likely benign based on ACMG/AMP sequence variant interpretation guidelines (Richards et al. 2015 PMID: 25741868, with internal and published modifications).

NM_001367549.1(ATP13A3):c.2120+9G>C

Gene: ATP13A3 (ATPase 13A3; minus strand). Cytogenetic location: 3q29.
Variant type: single nucleotide variant.
Coding change: c.2120+9G>C on transcript NM_001367549.1 (MANE Select); 9 bases into the intron after coding-DNA position 2120, G replaced by C.
Molecular consequence: intron variant.
Genome position (GRCh38, 1-based): chr3:194,437,086, C>G on the plus strand (G>C on the coding strand, the complement: ATP13A3 is on the minus strand). VCF-style: chr3-194437086-C-G. GRCh37 (hg19) VCF-style: chr3-194157815-C-G.
Other names: c.2039+9G>C (NM_001374836.1); c.2120+9G>C (NM_024524.4).
Identifiers: ClinVar variation 3035023 (VCV003035023.2), dbSNP rs1351031808, ClinGen allele CA549254874.